The following is an entry in ClinVar:

NM_001166108.2(PALLD):c.2847C>G (p.Cys949Trp)

Genes: CBR4 (carbonyl reductase 4; minus strand), PALLD (palladin, cytoskeletal associated protein; plus strand). Cytogenetic location: 4q32.3.
Variant type: single nucleotide variant.
Coding change: c.2847C>G on transcript NM_001166108.2 (MANE Select); coding-DNA position 2847, C replaced by G.
Protein change: p.Cys949Trp; replaces cysteine 949 with tryptophan.
Molecular consequence: missense variant.
Genome position (GRCh38, 1-based): chr4:168,916,024, C>G. VCF-style: chr4-168916024-C-G. GRCh37 (hg19) VCF-style: chr4-169837175-C-G.
Other names: c.1650C>G, p.Cys550Trp (NM_001166109.2); c.1335C>G, p.Cys445Trp (NM_001166110.2); c.675C>G, p.Cys225Trp (NM_001367567.1, NM_001367569.1); c.726C>G, p.Cys242Trp (NM_001367568.1, NM_001367570.1); c.2796C>G, p.Cys932Trp (NM_016081.4); short protein forms C242W, C932W, C949W, C225W, C445W, C550W.
Identifiers: ClinVar variation 3927571 (VCV003927571.1).
Genomic context (GRCh38, chr4:168,916,024, plus strand): 5'-CTTCTTGCAGGCTCCTGGAGATCTGACTGTTCAAGAAGGAAAACTCTGCAGAATGGACTG[C>G]AAAGTAAGATTTTGTTATTGCTTGCATATCCTATTGCCCCACTTCTCCCTCACTTGCCAT-3'
Protein context (NP_001159580.1, residues 939-959): VQEGKLCRMD[Cys949Trp]KVSGLPTPDL

ClinVar aggregate classification (germline): Uncertain significance (1 of 4 stars; one submission).

Submission:

Ambry Genetics
Classification: Uncertain significance. Last evaluated: 2025-06-08. Review status: criteria provided, single submitter. Criteria: Ambry Variant Classification Scheme 2023. Collection method: clinical testing. Allele origin: germline.
Comment: The p.C445W variant (also known as c.1335C>G), located in coding exon 7 of the PALLD gene, results from a C to G substitution at nucleotide position 1335. The cysteine at codon 445 is replaced by tryptophan, an amino acid with highly dissimilar properties. This amino acid position is conserved. In addition, this alteration is predicted to be deleterious by in silico analysis. Based on the available evidence, the clinical significance of this variant remains unclear.